The following is an entry in ClinVar:

NM_003970.4(MYOM2):c.3156C>T (p.Asn1052=)

Gene: MYOM2 (myomesin 2; plus strand). Cytogenetic location: 8p23.3.
Variant type: single nucleotide variant.
Coding change: c.3156C>T on transcript NM_003970.4 (MANE Select); coding-DNA position 3156, C replaced by T.
Protein change: p.Asn1052=; no amino-acid change (asparagine 1052 retained).
Molecular consequence: synonymous variant.
Genome position (GRCh38, 1-based): chr8:2,109,507, C>T. VCF-style: chr8-2109507-C-T. GRCh37 (hg19) VCF-style: chr8-2057298-C-T.
Identifiers: ClinVar variation 3060768 (VCV003060768.2), dbSNP rs2280897, ClinGen allele CA170459992.

ClinVar aggregate classification (germline): Benign (0 of 4 stars; one submission).

Conditions:
MYOM2-related disorder. Also called: MYOM2-related condition.

Allele frequency attached by ClinVar (database versions not stated): ESP Exome Variant Server 0.10511; TOPMed 0.11424; gnomAD 0.12363; 1000 Genomes Project 30x 0.13944; 1000 Genomes Project 0.14277.
gnomAD v4.1: 228,882 of 1,612,120 alleles (14%); highest among the groups gnomAD compares: East Asian, 26%; 17,354 homozygotes.

Submission:

PreventionGenetics, part of Exact Sciences
Classification: Benign for MYOM2-related condition. Last evaluated: 2019-10-21. Review status: no assertion criteria provided. Collection method: clinical testing. Allele origin: germline.
Comment: This variant is classified as benign based on ACMG/AMP sequence variant interpretation guidelines (Richards et al. 2015 PMID: 25741868, with internal and published modifications).